The following is an entry in ClinVar:

ClinVar aggregate classification (germline): Uncertain significance. Review status: criteria provided, multiple submitters, no conflicts (2 of 4 stars). 3 submissions from 3 submitters: Uncertain significance (3). Last evaluated 2025-01-19.

Conditions:
Developmental and epileptic encephalopathy, 9 (DEE9). Also called: Early infantile epileptic encephalopathy 9; PCDH19-Related X-Linked Female-Limited Epilepsy with Mental Retardation; EPILEPSY, FEMALE-RESTRICTED, WITH MENTAL RETARDATION; JUBERG-HELLMAN SYNDROME. Identifiers: Orphanet 101039, Orphanet 2076, MedGen C1848137, MONDO:0010246, OMIM 300088. Disease mechanism: loss of function.

Allele frequency attached by ClinVar (database versions not stated): gnomAD exomes 0.00001 and 0.00003; gnomAD 0.00002 and 0.00003; TOPMed 0.00003; ESP Exome Variant Server 0.00010.
gnomAD v4.1: 32 of 1,207,241 alleles (0.0027%); highest among the groups gnomAD compares: Non-Finnish European, 0.0034%; no homozygotes.

Submissions (3):

Labcorp Genetics (formerly Invitae), Labcorp
Classification: Uncertain significance for Developmental and epileptic encephalopathy, 9. Last evaluated: 2025-01-19. Review status: criteria provided, single submitter. Criteria: Invitae Variant Classification Sherloc (09022015). Collection method: clinical testing. Allele origin: germline.
Comment: This sequence change replaces arginine, which is basic and polar, with cysteine, which is neutral and slightly polar, at codon 1142 of the PCDH19 protein (p.Arg1142Cys). This variant is present in population databases (rs375132545, gnomAD 0.001%). This variant has not been reported in the literature in individuals affected with PCDH19-related conditions. ClinVar contains an entry for this variant (Variation ID: 852688). Invitae Evidence Modeling of protein sequence and biophysical properties (such as structural, functional, and spatial information, amino acid conservation, physicochemical variation, residue mobility, and thermodynamic stability) indicates that this missense variant is not expected to disrupt PCDH19 protein function with a negative predictive value of 95%. In summary, the available evidence is currently insufficient to determine the role of this variant in disease. Therefore, it has been classified as a Variant of Uncertain Significance.

Revvity Omics, Revvity
Classification: Uncertain significance for Developmental and epileptic encephalopathy, 9. Last evaluated: 2019-08-30. Review status: criteria provided, single submitter. Criteria: ACMG Guidelines, 2015. Collection method: clinical testing. Allele origin: germline.

Institute of Human Genetics, University of Leipzig Medical Center
Classification: Uncertain significance for Developmental and epileptic encephalopathy, 9. Last evaluated: 2019-01-01. Review status: criteria provided, single submitter. Criteria: ACMG Guidelines, 2015. Collection method: clinical testing. Allele origin: unknown. Affected: yes.

NM_001184880.2(PCDH19):c.3424C>T (p.Arg1142Cys)

Gene: PCDH19 (protocadherin 19; minus strand). Cytogenetic location: Xq22.1.
Variant type: single nucleotide variant.
Coding change: c.3424C>T on transcript NM_001184880.2 (MANE Select); coding-DNA position 3424, C replaced by T.
Protein change: p.Arg1142Cys; replaces arginine 1142 with cysteine.
Molecular consequence: missense variant.
Genome position (GRCh38, 1-based): chrX:100,296,300, G>A on the plus strand (C>T on the coding strand, the complement: PCDH19 is on the minus strand). VCF-style: chrX-100296300-G-A. GRCh37 (hg19) VCF-style: chrX-99551298-G-A.
Other names: c.3283C>T, p.Arg1095Cys (NM_001105243.2); c.3280C>T, p.Arg1094Cys (NM_020766.3); short protein forms R1094C, R1095C, R1142C.
Identifiers: ClinVar variation 852688 (VCV000852688.17), dbSNP rs375132545, ClinGen allele CA333818010.